The following is an entry in ClinVar:

ClinVar aggregate classification (germline): Likely benign. Review status: criteria provided, single submitter (1 of 4 stars). 2 submissions from 2 submitters: Likely benign (1). 1 of the submissions does not count toward it. Last evaluated 2024-01-01.

Conditions:
KCNQ1-related disorder. Also called: KCNQ1-related condition; KCNQ1-related disorders. Identifiers: MedGen CN239322.

Allele frequency attached by ClinVar (database versions not stated): 1000 Genomes Project 0.00020; 1000 Genomes Project 30x 0.00031; gnomAD exomes 0.00044; gnomAD 0.00059; TOPMed 0.00106.
gnomAD v4.1: 218 of 398,694 alleles (0.055%); highest among the groups gnomAD compares: Admixed American, 0.36%; no homozygotes.

Submissions (2):

CeGaT Center for Human Genetics Tuebingen
Classification: Likely benign. Last evaluated: 2024-01-01. Review status: criteria provided, single submitter. Criteria: CeGaT Center For Human Genetics Tuebingen Variant Classification Criteria Version 2. Collection method: clinical testing. Allele origin: germline. Affected: yes. Observed: 1 variant allele.
Comment: KCNQ1OT1: BS1

PreventionGenetics, part of Exact Sciences
Classification: Likely benign for KCNQ1-related condition. Last evaluated: 2022-12-27. Review status: no assertion criteria provided. Collection method: clinical testing. Allele origin: germline. Not counted in ClinVar's aggregate classification.
Comment: This variant is classified as likely benign based on ACMG/AMP sequence variant interpretation guidelines (Richards et al. 2015 PMID: 25741868, with internal and published modifications).

NM_000218.3(KCNQ1):c.1514+12222G>A

Genes: KCNQ1 (potassium voltage-gated channel subfamily Q member 1; plus strand), KCNQ1OT1 (KCNQ1 opposite strand/antisense transcript 1; minus strand). Cytogenetic location: 11p15.5.
Variant type: single nucleotide variant.
Coding change: c.1514+12222G>A on transcript NM_000218.3 (MANE Select); 12222 bases into the intron after coding-DNA position 1514, G replaced by A.
Molecular consequence: intron variant. On other transcripts: non-coding transcript variant (1).
Genome position (GRCh38, 1-based): chr11:2,674,303, G>A. VCF-style: chr11-2674303-G-A. GRCh37 (hg19) VCF-style: chr11-2695533-G-A.
Other names: c.1244+12222G>A (NM_001406837.1); c.1418+12222G>A (NM_001406836.1); c.974+12222G>A (NM_001406838.1); c.1133+12222G>A (NM_181798.2); c.1514+12222G>A (NM_000218.2).
Identifiers: ClinVar variation 3024684 (VCV003024684.23), dbSNP rs145704168, ClinGen allele CA216179954.